The following is an entry in ClinVar:

NM_138420.4(AHNAK2):c.2653C>T (p.Pro885Ser)

Gene: AHNAK2 (AHNAK nucleoprotein 2; minus strand). Cytogenetic location: 14q32.33.
Variant type: single nucleotide variant.
Coding change: c.2653C>T on transcript NM_138420.4 (MANE Select); coding-DNA position 2653, C replaced by T.
Protein change: p.Pro885Ser; replaces proline 885 with serine.
Molecular consequence: missense variant.
Genome position (GRCh38, 1-based): chr14:104,952,798, G>A on the plus strand (C>T on the coding strand, the complement: AHNAK2 is on the minus strand). VCF-style: chr14-104952798-G-A. GRCh37 (hg19) VCF-style: chr14-105419135-G-A.
Other names: c.2353C>T, p.Pro785Ser (NM_001350929.2); c.2653C>T (NM_138420.2); short protein forms P785S, P885S.
Identifiers: ClinVar variation 3341611 (VCV003341611.17).

ClinVar aggregate classification (germline): Conflicting classifications of pathogenicity. Review status: criteria provided, conflicting classifications (1 of 4 stars). 2 submissions from 2 submitters: Uncertain significance (1); Benign (1). Last evaluated 2025-08-25.

gnomAD v4.1: 744 of 1,610,086 alleles (0.046%); highest among the groups gnomAD compares: Admixed American, 0.77%; 10 homozygotes.

Submissions (2):

Ambry Genetics
Classification: Uncertain significance. Last evaluated: 2025-08-25. Review status: criteria provided, single submitter. Criteria: Ambry Variant Classification Scheme 2023. Collection method: clinical testing. Allele origin: germline.

CeGaT Center for Human Genetics Tuebingen
Classification: Benign. Last evaluated: 2024-08-01. Review status: criteria provided, single submitter. Criteria: CeGaT Center For Human Genetics Tuebingen Variant Classification Criteria Version 2. Collection method: clinical testing. Allele origin: germline. Affected: yes. Observed: 1 variant allele.
Comment: AHNAK2: BP4, BS1, BS2